The following is an entry in ClinVar:

ClinVar aggregate classification (germline): Uncertain significance (1 of 4 stars; one submission).

Submission:

Labcorp Genetics (formerly Invitae), Labcorp
Classification: Uncertain significance. Last evaluated: 2025-05-12. Review status: criteria provided, single submitter. Criteria: Invitae Variant Classification Sherloc (09022015). Collection method: clinical testing. Allele origin: germline.
Comment: This sequence change replaces methionine, which is neutral and non-polar, with isoleucine, which is neutral and non-polar, at codon 909 of the NBAS protein (p.Met909Ile). This variant is not present in population databases (gnomAD no frequency). This variant has not been reported in the literature in individuals affected with NBAS-related conditions. ClinVar contains an entry for this variant (Variation ID: 2040809). Invitae Evidence Modeling of protein sequence and biophysical properties (such as structural, functional, and spatial information, amino acid conservation, physicochemical variation, residue mobility, and thermodynamic stability) indicates that this missense variant is not expected to disrupt NBAS protein function with a negative predictive value of 95%. In summary, the available evidence is currently insufficient to determine the role of this variant in disease. Therefore, it has been classified as a Variant of Uncertain Significance.

NM_015909.4(NBAS):c.2727G>C (p.Met909Ile)

Gene: NBAS (NBAS subunit of NRZ tethering complex; minus strand). Cytogenetic location: 2p24.3.
Variant type: single nucleotide variant.
Coding change: c.2727G>C on transcript NM_015909.4 (MANE Select); coding-DNA position 2727, G replaced by C.
Protein change: p.Met909Ile; replaces methionine 909 with isoleucine.
Molecular consequence: missense variant. On other transcripts: non-coding transcript variant (1).
Genome position (GRCh38, 1-based): chr2:15,417,563, C>G on the plus strand (G>C on the coding strand, the complement: NBAS is on the minus strand). VCF-style: chr2-15417563-C-G. GRCh37 (hg19) VCF-style: chr2-15557687-C-G.
Other names: short protein forms M909I.
Identifiers: ClinVar variation 2040809 (VCV002040809.4), dbSNP rs2529015360, ClinGen allele CA345886633.
Genomic context (GRCh38, chr2:15,417,563, plus strand): 5'-AAAGGAAGTTAAAATAAAACCTACACTATTCATCAGTAATCTTAGTTTTTCAATGTCTTT[C>G]ATCTGCTGGAGTTCTTTCAGGGTTAGAGTTACATCACACCTGGCTTCATAAACCAATGTT-3'
Protein context (NP_056993.2, residues 899-919): VTLTLKELQQ[Met909Ile]KDIEKLRLLM